The following is an entry in ClinVar:

NM_017849.4(TMEM127):c.695C>A (p.Pro232Gln)

Gene: TMEM127 (transmembrane protein 127; minus strand). Cytogenetic location: 2q11.2.
Variant type: single nucleotide variant.
Coding change: c.695C>A on transcript NM_017849.4 (MANE Select); coding-DNA position 695, C replaced by A.
Protein change: p.Pro232Gln; replaces proline 232 with glutamine.
Molecular consequence: missense variant.
Genome position (GRCh38, 1-based): chr2:96,253,830, G>T on the plus strand (C>A on the coding strand, the complement: TMEM127 is on the minus strand). VCF-style: chr2-96253830-G-T. GRCh37 (hg19) VCF-style: chr2-96919568-G-T.
Other names: c.695C>A, p.Pro232Gln (NM_001193304.3); c.443C>A, p.Pro148Gln (NM_001407282.1, NM_001407283.1); short protein forms P148Q, P232Q.
Identifiers: ClinVar variation 1756313 (VCV001756313.7), dbSNP rs2104282667, ClinGen allele CA347651009.

ClinVar aggregate classification (germline): Uncertain significance. Review status: criteria provided, multiple submitters, no conflicts (2 of 4 stars). 2 submissions from 2 submitters: Uncertain significance (2). Last evaluated 2025-09-01.

Conditions:
Hereditary cancer-predisposing syndrome. Also called: Tumor predisposition; Hereditary Cancer Syndrome; Hereditary neoplastic syndrome; Neoplastic Syndromes, Hereditary. Identifiers: Orphanet 140162, MedGen C0027672, MeSH D009386, MONDO:0015356.
Hereditary pheochromocytoma and paraganglioma. Also called: Hereditary paragangliomas and pheochromocytomas; Hereditary Paraganglioma-Pheochromocytoma Syndromes; Hereditary pheochromocytoma-paraganglioma. Identifiers: Orphanet 29072, MedGen C4274332, MONDO:0017366.

Submissions (2):

Ambry Genetics
Classification: Uncertain significance for Hereditary cancer-predisposing syndrome. Last evaluated: 2025-09-01. Review status: criteria provided, single submitter. Criteria: Ambry Variant Classification Scheme 2023. Collection method: clinical testing. Allele origin: germline.

Labcorp Genetics (formerly Invitae), Labcorp
Classification: Uncertain significance for Hereditary pheochromocytoma and paraganglioma. Last evaluated: 2025-06-10. Review status: criteria provided, single submitter. Criteria: Invitae Variant Classification Sherloc (09022015). Collection method: clinical testing. Allele origin: germline.
Comment: This sequence change replaces proline, which is neutral and non-polar, with glutamine, which is neutral and polar, at codon 232 of the TMEM127 protein (p.Pro232Gln). This variant is not present in population databases (gnomAD no frequency). This variant has not been reported in the literature in individuals affected with TMEM127-related conditions. ClinVar contains an entry for this variant (Variation ID: 1756313). An algorithm developed to predict the effect of missense changes on protein structure and function (PolyPhen-2) suggests that this variant is likely to be disruptive. In summary, the available evidence is currently insufficient to determine the role of this variant in disease. Therefore, it has been classified as a Variant of Uncertain Significance.